The following is an entry in ClinVar:

NM_198999.3(SLC26A5):c.818T>A (p.Leu273Ter)

Gene: SLC26A5 (solute carrier family 26 member 5; minus strand). Cytogenetic location: 7q22.1.
Variant type: single nucleotide variant.
Coding change: c.818T>A on transcript NM_198999.3 (MANE Select); coding-DNA position 818, T replaced by A.
Protein change: p.Leu273Ter; replaces leucine 273 with a stop codon.
Molecular consequence: nonsense. On other transcripts: non-coding transcript variant (5).
Genome position (GRCh38, 1-based): chr7:103,407,921, A>T on the plus strand (T>A on the coding strand, the complement: SLC26A5 is on the minus strand). VCF-style: chr7-103407921-A-T. GRCh37 (hg19) VCF-style: chr7-103048368-A-T.
Other names: c.818T>A, p.Leu273Ter (NM_001167962.2, NM_001321787.2, NM_206883.3 and 2 more transcripts); short protein forms L273*.
Identifiers: ClinVar variation 2794800 (VCV002794800.3), dbSNP rs1407713091, ClinGen allele CA368764733.

ClinVar aggregate classification (germline): Pathogenic (1 of 4 stars; one submission).

Allele frequency attached by ClinVar (database versions not stated): gnomAD exomes below 0.00001; gnomAD 0.00001.
gnomAD v4.1: 2 of 1,614,080 alleles (0.00012%); highest among the groups gnomAD compares: Non-Finnish European, 0.00017%; no homozygotes.

Submission:

Labcorp Genetics (formerly Invitae), Labcorp
Classification: Pathogenic. Last evaluated: 2022-11-17. Review status: criteria provided, single submitter. Criteria: Invitae Variant Classification Sherloc (09022015). Collection method: clinical testing. Allele origin: germline.
Comment: For these reasons, this variant has been classified as Pathogenic. Algorithms developed to predict the effect of sequence changes on RNA splicing suggest that this variant may disrupt the consensus splice site. This variant has not been reported in the literature in individuals affected with SLC26A5-related conditions. This variant is present in population databases (no rsID available, gnomAD 0.007%). This sequence change creates a premature translational stop signal (p.Leu273*) in the SLC26A5 gene. It is expected to result in an absent or disrupted protein product. Loss-of-function variants in SLC26A5 are known to be pathogenic (PMID: 12239568, 24164807).

Literature cited by the submitters: PubMed 12239568; PubMed 24164807.